The following is an entry in ClinVar:

NM_006734.4(HIVEP2):c.1362_1369del (p.Ile455fs)

Gene: HIVEP2 (HIVEP zinc finger 2; minus strand). Cytogenetic location: 6q24.2.
Variant type: Deletion.
Coding change: c.1362_1369del on transcript NM_006734.4 (MANE Select); coding-DNA positions 1362 to 1369, 8 bases deleted (CATAATGG; older notation c.1362_1369delCATAATGG).
Protein change: p.Ile455fs; shifts the reading frame from isoleucine 455.
Molecular consequence: frameshift variant.
Genome position (GRCh38, 1-based): chr6:142,773,370-142,773,377, CCATTATG deleted on the plus strand (CATAATGG on the coding strand, the reverse complement: HIVEP2 is on the minus strand); deleting any 8 consecutive bases within chr6:142,773,370-142,773,379 gives the same sequence; the c. name uses the placement nearest the transcript's 3' end. VCF-style (leftmost placement, unchanged base first): chr6-142773369-TCCATTATG-T. GRCh37 (hg19) VCF-style: chr6-143094506-TCCATTATG-T.
Other names: short protein forms I455fs.
Identifiers: ClinVar variation 2745471 (VCV002745471.3), dbSNP rs2482849173, ClinGen allele CA2697553768.

ClinVar aggregate classification (germline): Pathogenic (1 of 4 stars; one submission).

Submission:

Labcorp Genetics (formerly Invitae), Labcorp
Classification: Pathogenic. Last evaluated: 2024-10-22. Review status: criteria provided, single submitter. Criteria: Invitae Variant Classification Sherloc (09022015). Collection method: clinical testing. Allele origin: germline.
Comment: This sequence change creates a premature translational stop signal (p.Ile455Thrfs*6) in the HIVEP2 gene. It is expected to result in an absent or disrupted protein product. Loss-of-function variants in HIVEP2 are known to be pathogenic (PMID: 27003583). This variant is not present in population databases (gnomAD no frequency). This variant has not been reported in the literature in individuals affected with HIVEP2-related conditions. For these reasons, this variant has been classified as Pathogenic.

Literature cited by the submitters: PubMed 27003583.